The following is an entry in ClinVar:

NM_198525.3(KIF7):c.1603C>T (p.Arg535Trp)

Gene: KIF7 (kinesin family member 7; minus strand). Cytogenetic location: 15q26.1.
Variant type: single nucleotide variant.
Coding change: c.1603C>T on transcript NM_198525.3 (MANE Select); coding-DNA position 1603, C replaced by T.
Protein change: p.Arg535Trp; replaces arginine 535 with tryptophan.
Molecular consequence: missense variant.
Genome position (GRCh38, 1-based): chr15:89,647,015, G>A on the plus strand (C>T on the coding strand, the complement: KIF7 is on the minus strand). VCF-style: chr15-89647015-G-A. GRCh37 (hg19) VCF-style: chr15-90190246-G-A.
Other names: short protein forms R535W.
Identifiers: ClinVar variation 2071101 (VCV002071101.2), dbSNP rs758219521, ClinGen allele CA7728507.

ClinVar aggregate classification (germline): Uncertain significance. Review status: criteria provided, multiple submitters, no conflicts (2 of 4 stars). 2 submissions from 2 submitters: Uncertain significance (2). Last evaluated 2024-04-16.

Conditions:
Multiple epiphyseal dysplasia, Al-Gazali type. Also called: Macrocephaly with multiple epiphyseal dysplasia and distinctive facies. Identifiers: Orphanet 166024, MedGen C1846722, MONDO:0011778, OMIM 607131.
Hydrolethalus syndrome 2 (HLS2). Identifiers: Orphanet 2189, MedGen C3279899, MONDO:0013585, OMIM 614120.
Acrocallosal syndrome (ACLS). Also called: Schinzel syndrome 1; Absence of corpus callosum with unusual facial appearance, mental deficiency, duplication of the halluces and polydactyly; HALLUX DUPLICATION, POSTAXIAL POLYDACTYLY, AND ABSENCE OF CORPUS CALLOSUM. Identifiers: Orphanet 36, MedGen C0796147, MONDO:0008708, OMIM 200990.

Allele frequency attached by ClinVar (database versions not stated): ExAC 0.00002; gnomAD 0.00006; TOPMed 0.00007.
gnomAD v4.1: 22 of 1,610,538 alleles (0.0014%); highest among the groups gnomAD compares: African/African-American, 0.023%; no homozygotes.

Submissions (2):

Fulgent Genetics
Classification: Uncertain significance for Acrocallosal syndrome; Multiple epiphyseal dysplasia, Al-Gazali type; Hydrolethalus syndrome 2. Last evaluated: 2024-04-16. Review status: criteria provided, single submitter. Criteria: ACMG Guidelines, 2015. Collection method: clinical testing. Allele origin: germline.

Labcorp Genetics (formerly Invitae), Labcorp
Classification: Uncertain significance for Acrocallosal syndrome. Last evaluated: 2022-03-27. Review status: criteria provided, single submitter. Criteria: Invitae Variant Classification Sherloc (09022015). Collection method: clinical testing. Allele origin: germline.
Comment: This sequence change replaces arginine, which is basic and polar, with tryptophan, which is neutral and slightly polar, at codon 535 of the KIF7 protein (p.Arg535Trp). This variant is present in population databases (rs758219521, gnomAD 0.04%). This variant has not been reported in the literature in individuals affected with KIF7-related conditions. Algorithms developed to predict the effect of missense changes on protein structure and function are either unavailable or do not agree on the potential impact of this missense change (SIFT: "Deleterious"; PolyPhen-2: "Possibly Damaging"; Align-GVGD: "Class C0"). In summary, the available evidence is currently insufficient to determine the role of this variant in disease. Therefore, it has been classified as a Variant of Uncertain Significance.